The following is an entry in ClinVar:

ClinVar aggregate classification (germline): Uncertain significance (1 of 4 stars; one submission).

Submission:

Labcorp Genetics (formerly Invitae), Labcorp
Classification: Uncertain significance. Last evaluated: 2022-07-05. Review status: criteria provided, single submitter. Criteria: Invitae Variant Classification Sherloc (09022015). Collection method: clinical testing. Allele origin: germline.
Comment: This sequence change falls in intron 13 of the CUL7 gene. It does not directly change the encoded amino acid sequence of the CUL7 protein. It affects a nucleotide within the consensus splice site. This variant is not present in population databases (gnomAD no frequency). This variant has not been reported in the literature in individuals affected with CUL7-related conditions. Variants that disrupt the consensus splice site are a relatively common cause of aberrant splicing (PMID: 17576681, 9536098). Algorithms developed to predict the effect of sequence changes on RNA splicing suggest that this variant may disrupt the consensus splice site. In summary, the available evidence is currently insufficient to determine the role of this variant in disease. Therefore, it has been classified as a Variant of Uncertain Significance.

Literature cited by the submitters: PubMed 17576681; PubMed 9536098.

NM_014780.5(CUL7):c.2766+3A>G

Gene: CUL7 (cullin 7; minus strand). Cytogenetic location: 6p21.1.
Variant type: single nucleotide variant.
Coding change: c.2766+3A>G on transcript NM_014780.5 (MANE Select); 3 bases into the intron after coding-DNA position 2766, A replaced by G.
Molecular consequence: intron variant.
Genome position (GRCh38, 1-based): chr6:43,045,983, T>C on the plus strand (A>G on the coding strand, the complement: CUL7 is on the minus strand). VCF-style: chr6-43045983-T-C. GRCh37 (hg19) VCF-style: chr6-43013721-T-C.
Other names: c.2862+3A>G (NM_001168370.2, NM_001374872.1); c.2766+3A>G (NM_001374874.1, NM_001374873.1).
Identifiers: ClinVar variation 2077466 (VCV002077466.4), dbSNP rs1281257801, ClinGen allele CA2580074578.